The following is an entry in ClinVar:

NM_001367624.2(ZNF469):c.381G>A (p.Ser127=)

Gene: ZNF469 (zinc finger protein 469; plus strand). Cytogenetic location: 16q24.2.
Variant type: single nucleotide variant.
Coding change: c.381G>A on transcript NM_001367624.2 (MANE Select); coding-DNA position 381, G replaced by A.
Protein change: p.Ser127=; no amino-acid change (serine 127 retained).
Molecular consequence: synonymous variant.
Genome position (GRCh38, 1-based): chr16:88,427,851, G>A. VCF-style: chr16-88427851-G-A. GRCh37 (hg19) VCF-style: chr16-88494259-G-A.
Other names: NM_001127464.1:c.381G>A; p.Ser127=.
Identifiers: ClinVar variation 1560937 (VCV001560937.12), dbSNP rs116028037, ClinGen allele CA8224585.
Genomic context (GRCh38, chr16:88,427,851, plus strand): 5'-GCTGGCGGGCAGGGCAGAGGGCAGCCCCCCACAGCGCTACATTCTGGGCATCGCCAGCTC[G>A]AGGACCAAGCCCACCCTGGACGAGACACCAGAGAACCCACAGCTGGAGGCTGCCCAGCTC-3'
Protein context (NP_001354553.1, residues 117-137): PQRYILGIAS[Ser127=]RTKPTLDETP

ClinVar aggregate classification (germline): Likely benign. Review status: criteria provided, multiple submitters, no conflicts (2 of 4 stars). 4 submissions from 4 submitters: Likely benign (4). Last evaluated 2026-01-25.

Conditions:
Cardiovascular phenotype. Identifiers: MedGen CN230736.

Allele frequency attached by ClinVar (database versions not stated): gnomAD exomes 0.00008; ExAC 0.00016; gnomAD 0.00033 and 0.00034; TOPMed 0.00034; 1000 Genomes Project 0.00040; 1000 Genomes Project 30x 0.00047.
gnomAD v4.1: 119 of 1,549,310 alleles (0.0077%); highest among the groups gnomAD compares: African/African-American, 0.11%; no homozygotes.

Submissions (4):

Labcorp Genetics (formerly Invitae), Labcorp
Classification: Likely benign. Last evaluated: 2026-01-25. Review status: criteria provided, single submitter. Criteria: Invitae Variant Classification Sherloc (09022015). Collection method: clinical testing. Allele origin: germline.

Mayo Clinic Laboratories, Mayo Clinic
Classification: Likely benign. Last evaluated: 2025-06-06. Review status: criteria provided, single submitter. Criteria: ACMG Guidelines, 2015. Collection method: clinical testing. Allele origin: germline. Observed: 1 variant allele.
Comment: BS1, BP4, BP7

Women's Health and Genetics/Laboratory Corporation of America, LabCorp
Classification: Likely benign. Last evaluated: 2024-10-21. Review status: criteria provided, single submitter. Criteria: LabCorp Variant Classification Summary - May 2015. Collection method: clinical testing. Allele origin: germline.

Ambry Genetics
Classification: Likely benign for Cardiovascular phenotype. Last evaluated: 2022-02-07. Review status: criteria provided, single submitter. Criteria: Ambry Variant Classification Scheme 2023. Collection method: clinical testing. Allele origin: germline.